The following is an entry in ClinVar:

NM_001848.3(COL6A1):c.394G>A (p.Ala132Thr)

Gene: COL6A1 (collagen type VI alpha 1 chain; plus strand). Cytogenetic location: 21q22.3.
Variant type: single nucleotide variant.
Coding change: c.394G>A on transcript NM_001848.3 (MANE Select); coding-DNA position 394, G replaced by A.
Protein change: p.Ala132Thr; replaces alanine 132 with threonine.
Molecular consequence: missense variant.
Genome position (GRCh38, 1-based): chr21:45,984,435, G>A. VCF-style: chr21-45984435-G-A. GRCh37 (hg19) VCF-style: chr21-47404349-G-A.
Other names: short protein forms A132T.
Identifiers: ClinVar variation 634466 (VCV000634466.14), dbSNP rs1258934082, ClinGen allele CA410516312.

ClinVar aggregate classification (germline): Uncertain significance. Review status: criteria provided, multiple submitters, no conflicts (2 of 4 stars). 2 submissions from 2 submitters: Uncertain significance (2). Last evaluated 2025-11-24.

Conditions:
Bethlem myopathy 1A. Also called: Bethlem Muscular Dystrophy; Bethlem myopathy 1; MYOPATHY, BENIGN CONGENITAL, WITH CONTRACTURES. Identifiers: Orphanet 610, MedGen CN029274, MONDO:0024530, OMIM 158810.

Allele frequency attached by ClinVar (database versions not stated): gnomAD exomes below 0.00001; TOPMed below 0.00001; gnomAD 0.00001.
gnomAD v4.1: 6 of 1,611,886 alleles (0.00037%); highest among the groups gnomAD compares: African/African-American, 0.0013%; no homozygotes.

Submissions (2):

Labcorp Genetics (formerly Invitae), Labcorp
Classification: Uncertain significance for Bethlem myopathy 1A. Last evaluated: 2025-11-24. Review status: criteria provided, single submitter. Criteria: Invitae Variant Classification Sherloc (09022015). Collection method: clinical testing. Allele origin: germline.
Comment: This sequence change replaces alanine, which is neutral and non-polar, with threonine, which is neutral and polar, at codon 132 of the COL6A1 protein (p.Ala132Thr). This variant is not present in population databases (gnomAD no frequency). This variant has not been reported in the literature in individuals affected with COL6A1-related conditions. ClinVar contains an entry for this variant (Variation ID: 634466). Invitae Evidence Modeling of protein sequence and biophysical properties (such as structural, functional, and spatial information, amino acid conservation, physicochemical variation, residue mobility, and thermodynamic stability) indicates that this missense variant is not expected to disrupt COL6A1 protein function with a negative predictive value of 95%. In summary, the available evidence is currently insufficient to determine the role of this variant in disease. Therefore, it has been classified as a Variant of Uncertain Significance.

Genomic Research Center, Shahid Beheshti University of Medical Sciences
Classification: Uncertain significance. Last evaluated: 2019-01-01. Review status: criteria provided, single submitter. Criteria: ACMG Guidelines, 2015. Collection method: clinical testing. Allele origin: unknown. Affected: no. Observed: 1 variant allele.